The following is an entry in ClinVar:

NM_012452.3(TNFRSF13B):c.567_568delinsTT (p.Arg189_Gly190delinsSerTrp)

Gene: TNFRSF13B (TNF receptor superfamily member 13B; minus strand). Cytogenetic location: 17p11.2.
Variant type: Indel.
Coding change: c.567_568delinsTT on transcript NM_012452.3 (MANE Select); coding-DNA positions 567 to 568, GG replaced by TT.
Protein change: p.Arg189_Gly190delinsSerTrp.
Molecular consequence: missense variant.
Genome position (GRCh38, 1-based): chr17:16,940,389-16,940,390, CC replaced by AA on the plus strand (GG replaced by TT on the coding strand, the reverse complement: TNFRSF13B is on the minus strand). VCF-style: chr17-16940389-CC-AA. GRCh37 (hg19) VCF-style: chr17-16843703-CC-AA.
Other names: c.567_568delGGinsTT (NM_012452.2).
Identifiers: ClinVar variation 660587 (VCV000660587.4), dbSNP rs1597656815, ClinGen allele CA915949611.

ClinVar aggregate classification (germline): Uncertain significance (1 of 4 stars; one submission).

Conditions:
Immunodeficiency, common variable, 2 (CVID2). Also called: ANTIBODY DEFICIENCY DUE TO TACI DEFECT; HYPOGAMMAGLOBULINEMIA DUE TO TACI DEFICIENCY. Identifiers: Orphanet 1572, MedGen C3150354, MONDO:0009413, OMIM 240500.

Submission:

Labcorp Genetics (formerly Invitae), Labcorp
Classification: Uncertain significance for Immunodeficiency, common variable, 2. Last evaluated: 2018-10-04. Review status: criteria provided, single submitter. Criteria: Invitae Variant Classification Sherloc (09022015). Collection method: clinical testing. Allele origin: germline.
Comment: This sequence change replaces arginine with serine at codon 189 and replaces glycine with tryptophan at codon 190 of the TNFRSF13B protein (p.Arg189_Gly190delinsSerTrp). The arginine residue at codon 189 is moderately conserved and there is a moderate physicochemical difference between arginine and serine. The glycine residue at codon 190 is highly conserved and there is a large physicochemical difference between glycine and tryptophan. This variant is not present in population databases (ExAC no frequency). This variant has not been reported in the literature in individuals with TNFRSF13B-related disease. Experimental studies and prediction algorithms are not available for this variant, and the functional significance of replacing both amino acids is currently unknown. In addition, algorithms developed to predict the effect of missense changes on protein structure and function do not agree on the potential impact of either missense change (p.Arg189Ser: SIFT: "Deleterious"; PolyPhen-2: "Benign"; Align-GVGD: "Class C0"; p.Gly190Trp: SIFT: "Deleterious"; PolyPhen-2: "Benign"; Align-GVGD: "Class C15"). In summary, the available evidence is currently insufficient to determine the role of this variant in disease. Therefore, it has been classified as a Variant of Uncertain Significance.